The following is an entry in ClinVar:

ClinVar aggregate classification (germline): Conflicting classifications of pathogenicity. Review status: criteria provided, conflicting classifications (1 of 4 stars). 2 submissions from 2 submitters: Likely pathogenic (1); Uncertain significance (1). Last evaluated 2024-05-20.

Conditions:
COL5A1-related disorders.
Ehlers-Danlos syndrome, classic type, 1 (EDSCL1). Also called: Ehlers-Danlos Syndrome, Classic Type, COL5A1-Related; EHLERS-DANLOS SYNDROME, GRAVIS TYPE; EHLERS-DANLOS SYNDROME, SEVERE CLASSIC TYPE; EDS I; Ehlers-Danlos syndrome, type 1. Identifiers: MedGen C0268335, MONDO:0019567, OMIM 130000.

gnomAD v4.1: 2 of 1,550,742 alleles (0.00013%); highest among the groups gnomAD compares: Non-Finnish European, 0.00017%; no homozygotes.

Submissions (2):

Labcorp Genetics (formerly Invitae), Labcorp
Classification: Uncertain significance for Ehlers-Danlos syndrome, classic type, 1. Last evaluated: 2024-05-20. Review status: criteria provided, single submitter. Criteria: Invitae Variant Classification Sherloc (09022015). Collection method: clinical testing. Allele origin: germline.
Comment: This sequence change affects codon 1302 of the COL5A1 mRNA. It is a 'silent' change, meaning that it does not change the encoded amino acid sequence of the COL5A1 protein. This variant also falls at the last nucleotide of exon 49, which is part of the consensus splice site for this exon. This variant is not present in population databases (gnomAD no frequency). This variant has not been reported in the literature in individuals affected with COL5A1-related conditions. Variants that disrupt the consensus splice site are a relatively common cause of aberrant splicing (PMID: 17576681, 9536098). Algorithms developed to predict the effect of sequence changes on RNA splicing suggest that this variant may disrupt the consensus splice site. In summary, the available evidence is currently insufficient to determine the role of this variant in disease. Therefore, it has been classified as a Variant of Uncertain Significance.

Blueprint Genetics
Classification: Likely pathogenic for COL5A1-related disorders. Last evaluated: 2018-07-24. Review status: criteria provided, single submitter. Criteria: ACMG Guidelines, 2015. Collection method: clinical testing. Allele origin: germline. Affected: yes. Observed: 1 variant allele.

Literature cited by the submitters: PubMed 17576681 (cited by Labcorp Genetics (formerly Invitae), Labcorp); PubMed 9536098 (cited by Labcorp Genetics (formerly Invitae), Labcorp).

NM_000093.5(COL5A1):c.3906G>A (p.Pro1302=)

Gene: COL5A1 (collagen type V alpha 1 chain; plus strand). Cytogenetic location: 9q34.3.
Variant type: single nucleotide variant.
Coding change: c.3906G>A on transcript NM_000093.5 (MANE Select); coding-DNA position 3906, G replaced by A.
Protein change: p.Pro1302=; no amino-acid change (proline 1302 retained).
Molecular consequence: synonymous variant.
Genome position (GRCh38, 1-based): chr9:134,814,036, G>A. VCF-style: chr9-134814036-G-A. GRCh37 (hg19) VCF-style: chr9-137705882-G-A.
Other names: c.3906G>A, p.Pro1302= (NM_001278074.1).
Identifiers: ClinVar variation 3627267 (VCV003627267.3).